The following is an entry in ClinVar:

NM_006231.4(POLE):c.2320-28_2320-11del

Gene: POLE (DNA polymerase epsilon, catalytic subunit; minus strand). Cytogenetic location: 12q24.33.
Variant type: Deletion.
Coding change: c.2320-28_2320-11del on transcript NM_006231.4 (MANE Select); 28 bases into the intron before coding-DNA position 2320 through 11 bases into the intron before coding-DNA position 2320, 18 bases deleted (AGGTGCTCCATGTTCATG).
Molecular consequence: intron variant.
Genome position (GRCh38, 1-based): chr12:132,665,461-132,665,478, CATGAACATGGAGCACCT deleted on the plus strand (AGGTGCTCCATGTTCATG on the coding strand, the reverse complement: POLE is on the minus strand); deleting any 18 consecutive bases within chr12:132,665,461-132,665,480 gives the same sequence; the c. name uses the placement nearest the transcript's 3' end. VCF-style (leftmost placement, unchanged base first): chr12-132665460-ACATGAACATGGAGCACCT-A. GRCh37 (hg19) VCF-style: chr12-133242046-ACATGAACATGGAGCACCT-A.
Identifiers: ClinVar variation 2162341 (VCV002162341.4), dbSNP rs2542075968, ClinGen allele CA2580086031.

ClinVar aggregate classification (germline): Uncertain significance (1 of 4 stars; one submission).

Submission:

Labcorp Genetics (formerly Invitae), Labcorp
Classification: Uncertain significance. Last evaluated: 2022-07-23. Review status: criteria provided, single submitter. Criteria: Invitae Variant Classification Sherloc (09022015). Collection method: clinical testing. Allele origin: germline.
Comment: This variant is not present in population databases (gnomAD no frequency). This sequence change falls in intron 20 of the POLE gene. It does not directly change the encoded amino acid sequence of the POLE protein. This variant has not been reported in the literature in individuals affected with POLE-related conditions. Algorithms developed to predict the effect of sequence changes on RNA splicing suggest that this variant may create or strengthen a splice site. In summary, the available evidence is currently insufficient to determine the role of this variant in disease. Therefore, it has been classified as a Variant of Uncertain Significance.